The following is an entry in ClinVar:

ClinVar aggregate classification (germline): Uncertain significance. Review status: criteria provided, multiple submitters, no conflicts (2 of 4 stars). 2 submissions from 2 submitters: Uncertain significance (2). Last evaluated 2024-02-16.

Conditions:
Dilated cardiomyopathy 1O (CMD1O). Also called: CARDIOMYOPATHY, DILATED, WITH VENTRICULAR TACHYCARDIA. Identifiers: Orphanet 154, MedGen C1837839, MONDO:0012062, OMIM 608569.

Allele frequency attached by ClinVar (database versions not stated): gnomAD 0.00001.
gnomAD v4.1: 2 of 1,612,754 alleles (0.00012%); highest among the groups gnomAD compares: African/African-American, 0.0013%; no homozygotes.

Submissions (2):

GeneDx
Classification: Uncertain significance. Last evaluated: 2024-02-16. Review status: criteria provided, single submitter. Criteria: GeneDx Variant Classification Process June 2021. Collection method: clinical testing. Allele origin: germline. Affected: yes.
Comment: Has not been previously published as pathogenic or benign to our knowledge; Not observed at significant frequency in large population cohorts (gnomAD); At the mRNA level, in silico analysis is inconclusive as to whether the variant alters gene splicing. In the absence of RNA/functional studies, the actual effect of this sequence change is unknown.; At the protein level, in silico analysis supports that this missense variant does not alter protein structure/function

Labcorp Genetics (formerly Invitae), Labcorp
Classification: Uncertain significance for Dilated cardiomyopathy 1O. Last evaluated: 2022-09-22. Review status: criteria provided, single submitter. Criteria: Invitae Variant Classification Sherloc (09022015). Collection method: clinical testing. Allele origin: germline.
Comment: This sequence change replaces glutamic acid, which is acidic and polar, with lysine, which is basic and polar, at codon 958 of the ABCC9 protein (p.Glu958Lys). This variant is not present in population databases (gnomAD no frequency). This variant has not been reported in the literature in individuals affected with ABCC9-related conditions. Algorithms developed to predict the effect of missense changes on protein structure and function (SIFT, PolyPhen-2, Align-GVGD) all suggest that this variant is likely to be tolerated. Algorithms developed to predict the effect of sequence changes on RNA splicing suggest that this variant may disrupt the consensus splice site. In summary, the available evidence is currently insufficient to determine the role of this variant in disease. Therefore, it has been classified as a Variant of Uncertain Significance.

NM_020297.4(ABCC9):c.2872G>A (p.Glu958Lys)

Gene: ABCC9 (ATP binding cassette subfamily C member 9; minus strand). Cytogenetic location: 12p12.1.
Variant type: single nucleotide variant.
Coding change: c.2872G>A on transcript NM_020297.4 (MANE Select); coding-DNA position 2872, G replaced by A.
Protein change: p.Glu958Lys; replaces glutamic acid 958 with lysine.
Molecular consequence: missense variant.
Genome position (GRCh38, 1-based): chr12:21,845,827, C>T on the plus strand (G>A on the coding strand, the complement: ABCC9 is on the minus strand). VCF-style: chr12-21845827-C-T. GRCh37 (hg19) VCF-style: chr12-21998761-C-T.
Other names: c.2872G>A, p.Glu958Lys (NM_001377273.1, NM_005691.4); c.2005G>A, p.Glu669Lys (NM_001377274.1); short protein forms E669K, E958K.
Identifiers: ClinVar variation 1944109 (VCV001944109.6), dbSNP rs1944633062, ClinGen allele CA384120662.
Genomic context (GRCh38, chr12:21,845,827, plus strand): 5'-GCATTTTAGTCCTGAGCCTCATTACAGTGGACATGTTATCATCCTCATCTTCCTCCTCTT[C>T]TTCCTCTACATACAAAAAACTTTTGTTTAAGCTTCAGATGGGCACCGGCTAGATATAATT-3'
Protein context (NP_064693.2, residues 948-968): AQMEDEDEEE[Glu958Lys]EEEDEDDNMS